The following is an entry in ClinVar:

NM_001007527.2(LMBRD2):c.840G>T (p.Gln280His)

Gene: LMBRD2 (LMBR1 domain containing 2; minus strand). Cytogenetic location: 5p13.2.
Variant type: single nucleotide variant.
Coding change: c.840G>T on transcript NM_001007527.2 (MANE Select); coding-DNA position 840, G replaced by T.
Protein change: p.Gln280His; replaces glutamine 280 with histidine.
Molecular consequence: missense variant.
Genome position (GRCh38, 1-based): chr5:36,122,944, C>A on the plus strand (G>T on the coding strand, the complement: LMBRD2 is on the minus strand). VCF-style: chr5-36122944-C-A. GRCh37 (hg19) VCF-style: chr5-36123046-C-A.
Other names: short protein forms Q280H.
Identifiers: ClinVar variation 3662550 (VCV003662550.2).
Genomic context (GRCh38, chr5:36,122,944, plus strand): 5'-ATAGATACTATGCTTTTCATCAAAATCTTCATAATCATCCATGTTCCTACCCATTTTTTC[C>A]TGATACTCTGTAGGGCACTAAAAAAAAAAAAAAGTAGATTTTTAAAAATCTTAATTGTAA-3'
Protein context (NP_001007528.1, residues 270-290): TILKKCPTEY[Gln280His]EKMGRNMDDY

ClinVar aggregate classification (germline): Likely pathogenic (1 of 4 stars; one submission).

Submission:

Labcorp Genetics (formerly Invitae), Labcorp
Classification: Likely pathogenic. Last evaluated: 2025-02-28. Review status: criteria provided, single submitter. Criteria: Invitae Variant Classification Sherloc (09022015). Collection method: clinical testing. Allele origin: germline.
Comment: This sequence change replaces glutamine, which is neutral and polar, with histidine, which is basic and polar, at codon 280 of the LMBRD2 protein (p.Gln280His). This variant is not present in population databases (gnomAD no frequency). This missense change has been observed in individual(s) with LMBRD2-related conditions (internal data). In at least one individual the variant was observed to be de novo. An algorithm developed to predict the effect of missense changes on protein structure and function (PolyPhen-2) suggests that this variant is likely to be disruptive. In summary, the currently available evidence indicates that the variant is pathogenic, but additional data are needed to prove that conclusively. Therefore, this variant has been classified as Likely Pathogenic.